The following is an entry in ClinVar:

ClinVar aggregate classification (germline): Uncertain significance. Review status: criteria provided, multiple submitters, no conflicts (2 of 4 stars). 2 submissions from 2 submitters: Uncertain significance (2). Last evaluated 2022-09-24.

Conditions:
Hereditary cancer-predisposing syndrome. Also called: Tumor predisposition; Neoplastic Syndromes, Hereditary; Hereditary neoplastic syndrome; Hereditary Cancer Syndrome. Identifiers: Orphanet 140162, MedGen C0027672, MeSH D009386, MONDO:0015356.

Allele frequency attached by ClinVar (database versions not stated): gnomAD exomes below 0.00001; gnomAD 0.00001; TOPMed 0.00001.
gnomAD v4.1: 2 of 1,613,938 alleles (0.00012%); highest among the groups gnomAD compares: Non-Finnish European, 0.00017%; no homozygotes.

Submissions (2):

Ambry Genetics
Classification: Uncertain significance for Hereditary cancer-predisposing syndrome. Last evaluated: 2022-09-24. Review status: criteria provided, single submitter. Criteria: Ambry Variant Classification Scheme 2023. Collection method: clinical testing. Allele origin: germline.
Comment: The p.S142G variant (also known as c.424A>G), located in coding exon 4 of the RAD50 gene, results from an A to G substitution at nucleotide position 424. The serine at codon 142 is replaced by glycine, an amino acid with similar properties. This amino acid position is conserved. In addition, this alteration is predicted to be tolerated by in silico analysis. Since supporting evidence is limited at this time, the clinical significance of this alteration remains unclear.

Labcorp Genetics (formerly Invitae), Labcorp
Classification: Uncertain significance for Hereditary cancer-predisposing syndrome. Last evaluated: 2022-08-12. Review status: criteria provided, single submitter. Criteria: Invitae Variant Classification Sherloc (09022015). Collection method: clinical testing. Allele origin: germline.
Comment: Algorithms developed to predict the effect of missense changes on protein structure and function (SIFT, PolyPhen-2, Align-GVGD) all suggest that this variant is likely to be tolerated. ClinVar contains an entry for this variant (Variation ID: 1016920). This variant has not been reported in the literature in individuals affected with RAD50-related conditions. This variant is present in population databases (no rsID available, gnomAD 0.0009%). This sequence change replaces serine, which is neutral and polar, with glycine, which is neutral and non-polar, at codon 142 of the RAD50 protein (p.Ser142Gly). In summary, the available evidence is currently insufficient to determine the role of this variant in disease. Therefore, it has been classified as a Variant of Uncertain Significance.

NM_005732.4(RAD50):c.424A>G (p.Ser142Gly)

Gene: RAD50 (RAD50 double strand break repair protein; plus strand). Cytogenetic location: 5q31.1.
Variant type: single nucleotide variant.
Coding change: c.424A>G on transcript NM_005732.4 (MANE Select); coding-DNA position 424, A replaced by G.
Protein change: p.Ser142Gly; replaces serine 142 with glycine.
Molecular consequence: missense variant.
Genome position (GRCh38, 1-based): chr5:132,579,375, A>G. VCF-style: chr5-132579375-A-G. GRCh37 (hg19) VCF-style: chr5-131915067-A-G.
Other names: short protein forms S142G.
Identifiers: ClinVar variation 1016920 (VCV001016920.11), dbSNP rs1191643322, ClinGen allele CA360933821.